The following is an entry in ClinVar:

NM_022336.4(EDAR):c.1202T>C (p.Ile401Thr)

Genes: EDAR (ectodysplasin A receptor; minus strand), RANBP2 (RAN binding protein 2; plus strand). Cytogenetic location: 2q13.
Variant type: single nucleotide variant.
Coding change: c.1202T>C on transcript NM_022336.4 (MANE Select); coding-DNA position 1202, T replaced by C.
Protein change: p.Ile401Thr; replaces isoleucine 401 with threonine.
Molecular consequence: missense variant.
Genome position (GRCh38, 1-based): chr2:108,897,052, A>G on the plus strand (T>C on the coding strand, the complement: EDAR is on the minus strand). VCF-style: chr2-108897052-A-G. GRCh37 (hg19) VCF-style: chr2-109513508-A-G.
Other names: short protein forms I401T.
Identifiers: ClinVar variation 2651257 (VCV002651257.24), dbSNP rs2470613018, ClinGen allele CA348047999.

ClinVar aggregate classification (germline): Likely pathogenic (1 of 4 stars; one submission).

Allele frequency attached by ClinVar (database versions not stated): gnomAD exomes below 0.00001.
gnomAD v4.1: 1 of 1,614,162 alleles (0.000062%); highest among the groups gnomAD compares: Non-Finnish European, 0.000085%; no homozygotes.

Submission:

CeGaT Center for Human Genetics Tuebingen
Classification: Likely pathogenic. Last evaluated: 2023-10-01. Review status: criteria provided, single submitter. Criteria: CeGaT Center For Human Genetics Tuebingen Variant Classification Criteria Version 2. Collection method: clinical testing. Allele origin: germline. Affected: yes. Observed: 1 variant allele.
Comment: EDAR: PM1, PM2, PP3, PP4